The following is an entry in ClinVar:

ClinVar aggregate classification (germline): Pathogenic (1 of 4 stars; one submission).

Conditions:
Hereditary breast ovarian cancer syndrome. Also called: Hereditary breast and/or ovarian cancer syndrome; Breast and ovarian cancer; BRCA1- and BRCA2-Associated Hereditary Breast and Ovarian Cancer; Hereditary breast and ovarian cancer syndrome; Hereditary breast and ovarian cancer syndrome (HBOC); Hereditary breast and ovarian cancer. Identifiers: Orphanet 145, MedGen C0677776, MeSH D061325, MONDO:0003582. Disease mechanism: loss of function.

Submission:

Labcorp Genetics (formerly Invitae), Labcorp
Classification: Pathogenic for BRCA1 and BRCA2 Hereditary Breast and Ovarian Cancer. Last evaluated: 2015-01-14. Review status: criteria provided, single submitter. Criteria: Invitae Variant Classification Sherloc (09022015). Collection method: clinical testing. Allele origin: germline.
Comment: This sequence change is a gross deletion of the genomic region encompassing exons 12-13 of the BRCA2 gene. This deletion is expected to cause a frameshift at codon 2281, creating a premature translational stop signal (p.Gly2281Alafs*31) that is expected to result in an absent or disrupted protein product. This deletion extends to both edges of the assayed region, and the 5' and 3' boundaries of this event are not known. Deletions of exons 12-13 have been reported in the literature in individuals affected with breast cancer (PMID: 15548676, 11284040, 16950820). For these reasons, this variant has been classified as Pathogenic.

NM_000059.4(BRCA2):c.(6841+1_6842-1)_(7007+1_7008-1)del

Gene: BRCA2 (BRCA2 DNA repair associated; plus strand). Cytogenetic location: 13q13.1.
Variant type: Deletion.
Coding change: c.(6841+1_6842-1)_(7007+1_7008-1)del on transcript NM_000059.4; a large deletion whose breakpoints are not mapped to the base.
Other names: c.6842-?_7007+?del (LRG_293t1, NM_000059.3); c.(6841+1_6842-1)_(7007+1_7008-1)del (NM_000059.4).
Identifiers: ClinVar variation 216030 (VCV000216030.1).